The following is an entry in ClinVar:

NM_001022.4(RPS19):c.416_423delinsGAAGCATTAG (p.Ala139fs)

Genes: RPS19 (ribosomal protein S19; plus strand), RPS19-CD79A (RPS19-CD79A readthrough; plus strand). Cytogenetic location: 19q13.2.
Variant type: Indel.
Coding change: c.416_423delinsGAAGCATTAG on transcript NM_001022.4 (MANE Select); coding-DNA positions 416 to 423, CAGCTGCC replaced by GAAGCATTAG.
Protein change: p.Ala139fs; shifts the reading frame from alanine 139.
Molecular consequence: frameshift variant. On other transcripts: nonsense (1).
Genome position (GRCh38, 1-based): chr19:41,871,355-41,871,362, CAGCTGCC replaced by GAAGCATTAG. VCF-style: chr19-41871355-CAGCTGCC-GAAGCATTAG. GRCh37 (hg19) VCF-style: chr19-42375423-CAGCTGCC-GAAGCATTAG.
Other names: c.416_423delinsGAAGCATTAG, p.Ala139fs (NM_001321483.2, NM_001321484.2); c.429_436delinsGAAGCATTAG, p.Ser144_Gln146delinsLysHisTer (NM_001321485.2); short protein forms A139fs.
Identifiers: ClinVar variation 1738340 (VCV001738340.3), dbSNP rs2513688334, ClinGen allele CA2580097376.

ClinVar aggregate classification (germline): Conflicting classifications of pathogenicity. Review status: criteria provided, conflicting classifications (1 of 4 stars). 2 submissions from 2 submitters: Pathogenic (1); Uncertain significance (1). Last evaluated 2024-02-07.

Conditions:
Diamond-Blackfan anemia 1 (DBA1). Also called: RPS19-Related Diamond-Blackfan Anemia; BLACKFAN-DIAMOND SYNDROME; ANEMIA, CONGENITAL HYPOPLASTIC, OF BLACKFAN AND DIAMOND; ANEMIA, CONGENITAL ERYTHROID HYPOPLASTIC; RED CELL APLASIA, PURE, HEREDITARY; AREGENERATIVE ANEMIA, CHRONIC CONGENITAL. Identifiers: Orphanet 124, MedGen C2676137, MONDO:0007110, OMIM 105650.
Diamond-Blackfan anemia. Also called: Blackfan Diamond syndrome; Aregenerative anemia chronic congenital; Red cell aplasia, pure hereditary; Congenital hypoplastic anemia; Aase syndrome. Identifiers: Orphanet 124, MedGen C1260899, MeSH D029503, MONDO:0015253, HP:0004810.

Submissions (2):

Revvity Omics, Revvity
Classification: Uncertain significance for Diamond-Blackfan anemia 1. Last evaluated: 2024-02-07. Review status: criteria provided, single submitter. Criteria: ACMG Guidelines, 2015. Collection method: clinical testing. Allele origin: germline.

Ambry Genetics
Classification: Pathogenic for Diamond-Blackfan anemia. Last evaluated: 2016-02-12. Review status: criteria provided, single submitter. Criteria: Ambry Variant Classification Scheme 2023. Collection method: clinical testing. Allele origin: germline.
Comment: The c.416_423delCAGCTGCCins10 pathogenic mutation, located in coding exon 5 of the RPS19 gene, results from the deletion of 8 nucleotides and insertion of 10 nucleotides. This deletion and insertion, and subsequent frameshift, occur near the 3' terminus of RPS19 and result in the elongation of the protein by 13 amino acids. This mutation perturbs a known motif responsible for signaling and interaction with chromatin, in addition to inserting extraneous residues into the constrained environment of the complex (Lorini et al. Eur. J. Pediatr 1986.;145(3):182-4; Downey et al.Mol. Cell Proteomics 2015;14(1):162-76). In addition, since frameshifts are typically deleterious in nature, this alteration is interpreted as a disease-causing mutation (ACMG Recommendations for Standards for Interpretation and Reporting of Sequence Variations. Revision 2007. Genet Med. 2008;10:294).

Literature cited by the submitters: PubMed 12750732 (cited by Ambry Genetics); PubMed 25381059 (cited by Ambry Genetics); PubMed 3769971 (cited by Ambry Genetics).